The following is an entry in ClinVar:

ClinVar aggregate classification (germline): Pathogenic (1 of 4 stars; one submission).

Conditions:
Neurofibromatosis, type 1 (NF1). Also called: VON RECKLINGHAUSEN DISEASE; NEUROFIBROMATOSIS, TYPE I, SOMATIC; Peripheral type neurofibromatosis; Neurofibromatosis, type I. Identifiers: Orphanet 636, MedGen C0027831, MONDO:0018975, OMIM 162200. Disease mechanism: loss of function.

Submission:

Labcorp Genetics (formerly Invitae), Labcorp
Classification: Pathogenic for Neurofibromatosis, type 1. Last evaluated: 2025-12-06. Review status: criteria provided, single submitter. Criteria: Invitae Variant Classification Sherloc (09022015). Collection method: clinical testing. Allele origin: germline.
Comment: This sequence change creates a premature translational stop signal (p.Cys2202Alafs*10) in the NF1 gene. It is expected to result in an absent or disrupted protein product. Loss-of-function variants in NF1 are known to be pathogenic (PMID: 10712197, 23913538). This variant is not present in population databases (gnomAD no frequency). This premature translational stop signal has been observed in individual(s) with neurofibromatosis type 1 (PMID: 10712197). ClinVar contains an entry for this variant (Variation ID: 457800). For these reasons, this variant has been classified as Pathogenic.

Literature cited by the submitters: PubMed 10712197; PubMed 23913538.

NM_001042492.3(NF1):c.6667del (p.Cys2223fs)

Gene: NF1 (neurofibromin 1; plus strand). Cytogenetic location: 17q11.2.
Variant type: Deletion.
Coding change: c.6667del on transcript NM_001042492.3 (MANE Select); coding-DNA position 6667, one base deleted (T; older notation c.6667delT).
Protein change: p.Cys2223fs; shifts the reading frame from cysteine 2223.
Molecular consequence: frameshift variant.
Genome position (GRCh38, 1-based): chr17:31,337,843, T deleted. VCF-style (leftmost placement, unchanged base first): chr17-31337842-GT-G. GRCh37 (hg19) VCF-style: chr17-29664860-GT-G.
Other names: c.6604delT (NM_000267.3); c.6604delT, p.Cys2202Alafs (NM_000267.4); short protein forms C2223fs, C2202fs.
Identifiers: ClinVar variation 457800 (VCV000457800.5), dbSNP rs1555534917, ClinGen allele CA658658586.